The following is an entry in ClinVar:

ClinVar aggregate classification (germline): Likely benign (0 of 4 stars; one submission).

Conditions:
ISL1-related disorder. Also called: ISL1-related condition.

Submission:

PreventionGenetics, part of Exact Sciences
Classification: Likely benign for ISL1-related condition. Last evaluated: 2024-08-08. Review status: no assertion criteria provided. Collection method: clinical testing. Allele origin: germline.
Comment: This variant is classified as likely benign based on ACMG/AMP sequence variant interpretation guidelines (Richards et al. 2015 PMID: 25741868, with internal and published modifications).

NM_002202.3(ISL1):c.300T>C (p.Tyr100=)

Gene: ISL1 (ISL LIM homeobox 1; plus strand). Cytogenetic location: 5q11.1.
Variant type: single nucleotide variant.
Coding change: c.300T>C on transcript NM_002202.3 (MANE Select); coding-DNA position 300, T replaced by C.
Protein change: p.Tyr100=; no amino-acid change (tyrosine 100 retained).
Molecular consequence: synonymous variant.
Genome position (GRCh38, 1-based): chr5:51,387,571, T>C. VCF-style: chr5-51387571-T-C. GRCh37 (hg19) VCF-style: chr5-50683405-T-C.
Identifiers: ClinVar variation 3356990 (VCV003356990.1).